The following is an entry in ClinVar:

ClinVar aggregate classification (germline): Uncertain significance. Review status: criteria provided, multiple submitters, no conflicts (2 of 4 stars). 3 submissions from 3 submitters: Uncertain significance (3). Last evaluated 2026-09-21.

Conditions:
IFT74-related disorder. Also called: IFT74-related condition; IFT74-Related Disorders.
Inborn genetic diseases. Identifiers: MedGen C0950123, MeSH D030342.

Allele frequency attached by ClinVar (database versions not stated): TOPMed 0.00003; gnomAD 0.00004.
gnomAD v4.1: 15 of 1,611,600 alleles (0.00093%); highest among the groups gnomAD compares: African/African-American, 0.0013%; no homozygotes.

Submissions (3):

PreventionGenetics, part of Exact Sciences
Classification: Uncertain significance for IFT74-related condition. Last evaluated: 2026-09-21. Review status: criteria provided, single submitter. Criteria: ACMG Guidelines, 2015. Collection method: clinical testing. Allele origin: germline.
Comment: The IFT74 c.851T>C variant is predicted to result in the amino acid substitution p.Leu284Ser. To our knowledge, this variant has not been reported in the literature. This variant is reported in 0.0016% of alleles in individuals of European (Non-Finnish) descent in gnomAD. At this time, the clinical significance of this variant is uncertain due to the absence of conclusive functional and genetic evidence.

Ambry Genetics
Classification: Uncertain significance for Inborn genetic diseases. Last evaluated: 2025-01-21. Review status: criteria provided, single submitter. Criteria: Ambry Variant Classification Scheme 2023. Collection method: clinical testing. Allele origin: germline.

Labcorp Genetics (formerly Invitae), Labcorp
Classification: Uncertain significance. Last evaluated: 2022-06-24. Review status: criteria provided, single submitter. Criteria: Invitae Variant Classification Sherloc (09022015). Collection method: clinical testing. Allele origin: germline.
Comment: This variant has not been reported in the literature in individuals affected with IFT74-related conditions. The frequency data for this variant in the population databases is considered unreliable, as metrics indicate poor data quality at this position in the gnomAD database. This sequence change replaces leucine, which is neutral and non-polar, with serine, which is neutral and polar, at codon 284 of the IFT74 protein (p.Leu284Ser). In summary, the available evidence is currently insufficient to determine the role of this variant in disease. Therefore, it has been classified as a Variant of Uncertain Significance. Algorithms developed to predict the effect of missense changes on protein structure and function (SIFT, PolyPhen-2, Align-GVGD) all suggest that this variant is likely to be disruptive.

NM_025103.4(IFT74):c.851T>C (p.Leu284Ser)

Gene: IFT74 (intraflagellar transport 74; plus strand). Cytogenetic location: 9p21.2.
Variant type: single nucleotide variant.
Coding change: c.851T>C on transcript NM_025103.4 (MANE Select); coding-DNA position 851, T replaced by C.
Protein change: p.Leu284Ser; replaces leucine 284 with serine.
Molecular consequence: missense variant.
Genome position (GRCh38, 1-based): chr9:27,016,968, T>C. VCF-style: chr9-27016968-T-C. GRCh37 (hg19) VCF-style: chr9-27016966-T-C.
Other names: c.851T>C (NM_001099222.1, NM_025103.2); c.851T>C, p.Leu284Ser (NM_001099222.3, NM_001099223.3, NM_001099224.3 and 1 more transcripts); short protein forms L284S.
Identifiers: ClinVar variation 1932936 (VCV001932936.5), dbSNP rs1269570553, ClinGen allele CA373119550.